The following is an entry in ClinVar:

ClinVar aggregate classification (germline): Benign. Review status: criteria provided, multiple submitters, no conflicts (2 of 4 stars). 4 submissions from 4 submitters: Benign (3). 1 of the submissions does not count toward it. Last evaluated 2026-01-28.

Conditions:
RNF213-related disorder. Also called: RNF213-related condition.

Allele frequency attached by ClinVar (database versions not stated): 1000 Genomes Project 30x 0.22408; gnomAD exomes 0.19541 and 0.17117; gnomAD 0.23686 and 0.24312; TOPMed 0.24113; ExAC 0.17970; 1000 Genomes Project 0.21985; ESP Exome Variant Server 0.25911.
gnomAD v4.1: 320,774 of 1,612,936 alleles (20%); highest among the groups gnomAD compares: African/African-American, 41%; 34,828 homozygotes.

Submissions (4):

Labcorp Genetics (formerly Invitae), Labcorp
Classification: Benign. Last evaluated: 2026-01-28. Review status: criteria provided, single submitter. Criteria: Invitae Variant Classification Sherloc (09022015). Collection method: clinical testing. Allele origin: germline.

Mayo Clinic Laboratories, Mayo Clinic
Classification: Benign. Last evaluated: 2022-04-26. Review status: criteria provided, single submitter. Criteria: ACMG Guidelines, 2015. Collection method: clinical testing. Allele origin: germline. Observed: 113 variant alleles.

Breakthrough Genomics
Classification: Benign. Review status: criteria provided, single submitter. Criteria: ACMG Guidelines, 2015. Collection method: not provided. Allele origin: germline. Inheritance: Autosomal dominant inheritance. Affected: yes.

PreventionGenetics, part of Exact Sciences
Classification: Benign for RNF213-related condition. Last evaluated: 2019-11-08. Review status: no assertion criteria provided. Collection method: clinical testing. Allele origin: germline. Not counted in ClinVar's aggregate classification.
Comment: This variant is classified as benign based on ACMG/AMP sequence variant interpretation guidelines (Richards et al. 2015 PMID: 25741868, with internal and published modifications).

NM_001256071.3(RNF213):c.962T>C (p.Met321Thr)

Gene: RNF213 (ring finger protein 213; plus strand). Cytogenetic location: 17q25.3.
Variant type: single nucleotide variant.
Coding change: c.962T>C on transcript NM_001256071.3 (MANE Select); coding-DNA position 962, T replaced by C.
Protein change: p.Met321Thr; replaces methionine 321 with threonine.
Molecular consequence: missense variant.
Genome position (GRCh38, 1-based): chr17:80,289,687, T>C. VCF-style: chr17-80289687-T-C. GRCh37 (hg19) VCF-style: chr17-78263486-T-C.
Other names: p.Met321Thr; c.962T>C, p.Met321Thr (NM_020954.4); c.962T>C (NM_001256071.2); short protein forms M321T.
Identifiers: ClinVar variation 1559878 (VCV001559878.12), dbSNP rs17853989, ClinGen allele CA8819412.
Genomic context (GRCh38, chr17:80,289,687, plus strand): 5'-CTTCAAGGTCAGGGTTTGGTTCCTTGTTCCAGGAAGCTGAGACCAAGACCAAGGACGAGA[T>C]GGCTGCTGCTGAAGAAAAAGTCGGTAAGAATGAACAAGGGGAGCCTGAAGACCTCAAGAA-3'
Protein context (NP_001243000.2, residues 311-331): QEAETKTKDE[Met321Thr]AAAEEKVGKN